The following is an entry in ClinVar:

ClinVar aggregate classification (germline): Uncertain significance (1 of 4 stars; one submission).

Submission:

GeneDx
Classification: Uncertain significance. Last evaluated: 2026-03-18. Review status: criteria provided, single submitter. Criteria: GeneDx Variant Classification Process June 2021. Collection method: clinical testing. Allele origin: germline.
Comment: Not observed at significant frequency in large population cohorts (gnomAD); In silico analysis supports that this missense variant does not alter protein structure/function; Has not been previously published as pathogenic or benign to our knowledge

NM_000836.4(GRIN2D):c.2771G>A (p.Arg924Gln)

Gene: GRIN2D (glutamate ionotropic receptor NMDA type subunit 2D; plus strand). Cytogenetic location: 19q13.33.
Variant type: single nucleotide variant.
Coding change: c.2771G>A on transcript NM_000836.4 (MANE Select); coding-DNA position 2771, G replaced by A.
Protein change: p.Arg924Gln; replaces arginine 924 with glutamine.
Molecular consequence: missense variant.
Genome position (GRCh38, 1-based): chr19:48,442,697, G>A. VCF-style: chr19-48442697-G-A. GRCh37 (hg19) VCF-style: chr19-48945954-G-A.
Other names: short protein forms R924Q.
Identifiers: ClinVar variation 4976246 (VCV004976246.1).
Genomic context (GRCh38, chr19:48,442,697, plus strand): 5'-CGCCCGCCAAGCCCCCGCCGCCGCCACAGCCCCTGCCCAGCCCCGCGTACCCCGCGCCGC[G>A]GCCGGCTCCCGGGCCCGCACCTTTCGTGCCCCGCGAGCGCGCCTCAGTGGACCGCTGGCG-3'
Protein context (NP_000827.2, residues 914-934): PLPSPAYPAP[Arg924Gln]PAPGPAPFVP